The following is an entry in ClinVar:

NM_001330585.2(CC2D1B):c.399T>G (p.Ser133=)

Gene: CC2D1B (coiled-coil and C2 domain containing 1B; minus strand). Cytogenetic location: 1p32.3.
Variant type: single nucleotide variant.
Coding change: c.399T>G on transcript NM_001330585.2 (MANE Select); coding-DNA position 399, T replaced by G.
Protein change: p.Ser133=; no amino-acid change (serine 133 retained).
Molecular consequence: synonymous variant.
Genome position (GRCh38, 1-based): chr1:52,361,052, A>C on the plus strand (T>G on the coding strand, the complement: CC2D1B is on the minus strand). VCF-style: chr1-52361052-A-C. GRCh37 (hg19) VCF-style: chr1-52826724-A-C.
Other names: c.399T>G, p.Ser133= (NM_032449.3).
Identifiers: ClinVar variation 2638814 (VCV002638814.24), dbSNP rs41311156, ClinGen allele CA852827.

ClinVar aggregate classification (germline): Likely benign (1 of 4 stars; one submission).

Allele frequency attached by ClinVar (database versions not stated): 1000 Genomes Project 30x 0.00062; 1000 Genomes Project 0.00080; gnomAD 0.00170; TOPMed 0.00176; ESP Exome Variant Server 0.00177; ExAC 0.00215; gnomAD exomes 0.00296.

Submission:

CeGaT Center for Human Genetics Tuebingen
Classification: Likely benign. Last evaluated: 2023-04-01. Review status: criteria provided, single submitter. Criteria: CeGaT Center For Human Genetics Tuebingen Variant Classification Criteria Version 2. Collection method: clinical testing. Allele origin: germline. Affected: yes. Observed: 1 variant allele.
Comment: CC2D1B: BP4, BP7, BS2